The following is an entry in ClinVar:

NM_030665.4(RAI1):c.460A>G (p.Ser154Gly)

Gene: RAI1 (retinoic acid induced 1; plus strand). Cytogenetic location: 17p11.2.
Variant type: single nucleotide variant.
Coding change: c.460A>G on transcript NM_030665.4 (MANE Select); coding-DNA position 460, A replaced by G.
Protein change: p.Ser154Gly; replaces serine 154 with glycine.
Molecular consequence: missense variant.
Genome position (GRCh38, 1-based): chr17:17,793,408, A>G. VCF-style: chr17-17793408-A-G. GRCh37 (hg19) VCF-style: chr17-17696722-A-G.
Other names: short protein forms S154G.
Identifiers: ClinVar variation 3348159 (VCV003348159.1).
Genomic context (GRCh38, chr17:17,793,408, plus strand): 5'-CTACCTGCAGGGGTGGCCAAGTATGATGAGAACTTGATGAAAAAGACAGCAGTGCCCCCC[A>G]GCAGGCAGTATGCAGAGCAGGGCGCCCAGGTGCCCTTTCGGACTCACTCCCTGCACGTCC-3'
Protein context (NP_109590.3, residues 144-164): NLMKKTAVPP[Ser154Gly]RQYAEQGAQV

ClinVar aggregate classification (germline): Uncertain significance (0 of 4 stars; one submission).

Conditions:
RAI1-related disorder. Also called: RAI1-related condition.

Submission:

PreventionGenetics, part of Exact Sciences
Classification: Uncertain significance for RAI1-related condition. Last evaluated: 2023-11-08. Review status: no assertion criteria provided. Collection method: clinical testing. Allele origin: germline.
Comment: The RAI1 c.460A>G variant is predicted to result in the amino acid substitution p.Ser154Gly. To our knowledge, this variant has not been reported in the literature or in a large population database, indicating this variant is rare. At this time, the clinical significance of this variant is uncertain due to the absence of conclusive functional and genetic evidence.